The following is an entry in ClinVar:

NM_006440.5(TXNRD2):c.92G>C (p.Arg31Pro)

Genes: TXNRD2 (thioredoxin reductase 2; minus strand), LOC130066960 (ATAC-STARR-seq lymphoblastoid silent region 13467; plus strand). Cytogenetic location: 22q11.21.
Variant type: single nucleotide variant.
Coding change: c.92G>C on transcript NM_006440.5 (MANE Select); coding-DNA position 92, G replaced by C.
Protein change: p.Arg31Pro; replaces arginine 31 with proline.
Molecular consequence: missense variant. On other transcripts: non-coding transcript variant (1).
Genome position (GRCh38, 1-based): chr22:19,941,712, C>G on the plus strand (G>C on the coding strand, the complement: TXNRD2 is on the minus strand). VCF-style: chr22-19941712-C-G. GRCh37 (hg19) VCF-style: chr22-19929235-C-G.
Other names: c.92G>C, p.Arg31Pro (NM_001282512.3, NM_001352300.2); short protein forms R31P.
Identifiers: ClinVar variation 1935221 (VCV001935221.6), dbSNP rs1054103249, ClinGen allele CA322111620.

ClinVar aggregate classification (germline): Uncertain significance. Review status: criteria provided, multiple submitters, no conflicts (2 of 4 stars). 2 submissions from 2 submitters: Uncertain significance (2). Last evaluated 2025-05-24.

Conditions:
Cardiovascular phenotype. Identifiers: MedGen CN230736.
Primary dilated cardiomyopathy (DCM). Also called: Dilated Cardiomyopathy. Identifiers: Orphanet 217604, MedGen C0007193, MeSH D002311, MONDO:0005021, HP:0001644. Inheritance: Various modes of inheritance.

Submissions (2):

Ambry Genetics
Classification: Uncertain significance for Cardiovascular phenotype. Last evaluated: 2025-05-24. Review status: criteria provided, single submitter. Criteria: Ambry Variant Classification Scheme 2023. Collection method: clinical testing. Allele origin: germline.
Comment: The p.R31P variant (also known as c.92G>C), located in coding exon 1 of the TXNRD2 gene, results from a G to C substitution at nucleotide position 92. The arginine at codon 31 is replaced by proline, an amino acid with dissimilar properties. This amino acid position is conserved. In addition, this alteration is predicted to be tolerated by in silico analysis. Based on the available evidence, the clinical significance of this variant remains unclear.

Labcorp Genetics (formerly Invitae), Labcorp
Classification: Uncertain significance for Primary dilated cardiomyopathy. Last evaluated: 2025-03-30. Review status: criteria provided, single submitter. Criteria: Invitae Variant Classification Sherloc (09022015). Collection method: clinical testing. Allele origin: germline.
Comment: This sequence change replaces arginine, which is basic and polar, with proline, which is neutral and non-polar, at codon 31 of the TXNRD2 protein (p.Arg31Pro). This variant is present in population databases (no rsID available, gnomAD 0.007%). This variant has not been reported in the literature in individuals affected with TXNRD2-related conditions. ClinVar contains an entry for this variant (Variation ID: 1935221). An algorithm developed to predict the effect of missense changes on protein structure and function (PolyPhen-2) suggests that this variant is likely to be tolerated. In summary, the available evidence is currently insufficient to determine the role of this variant in disease. Therefore, it has been classified as a Variant of Uncertain Significance.